The following is an entry in ClinVar:

ClinVar aggregate classification (germline): Likely pathogenic (1 of 4 stars; one submission).

Conditions:
Nephronophthisis 12 (NPHP12). Identifiers: Orphanet 655, MedGen C3151186, MONDO:0013442, OMIM 613820.
Asphyxiating thoracic dystrophy 4 (SRTD4). Also called: SHORT-RIB THORACIC DYSPLASIA 4 WITH OR WITHOUT POLYDACTYLY; SHORT-RIB THORACIC DYSPLASIA 4. Identifiers: Orphanet 474, MedGen C3151185, MONDO:0013441, OMIM 613819.

Submission:

First Genomix Gene Laboratory, Genetic Diagnostics Department
Classification: Likely pathogenic for Nephronophthisis 12; Asphyxiating thoracic dystrophy 4. Last evaluated: 2025-09-26. Review status: criteria provided, single submitter. Criteria: ACMG Guidelines, 2015. Collection method: clinical testing. Allele origin: germline. Inheritance: Autosomal recessive inheritance. Affected: no. Observed: 1 variant allele.

NM_024753.5(TTC21B):c.3486_3489dup (p.Ala1164fs)

Gene: TTC21B (tetratricopeptide repeat domain 21B; minus strand). Cytogenetic location: 2q24.3.
Variant type: Duplication.
Coding change: c.3486_3489dup on transcript NM_024753.5 (MANE Select); coding-DNA positions 3486 to 3489, 4 bases duplicated (AATG; older notation c.3486_3489dupAATG).
Protein change: p.Ala1164fs; shifts the reading frame from alanine 1164.
Molecular consequence: frameshift variant.
Genome position (GRCh38, 1-based): chr2:165,883,989-165,883,992, CATT duplicated on the plus strand (AATG on the coding strand, the reverse complement: TTC21B is on the minus strand); duplicating any 4 consecutive bases within chr2:165,883,989-165,883,993 gives the same sequence; the c. name uses the placement nearest the transcript's 3' end. VCF-style (leftmost placement, unchanged base first): chr2-165883988-C-CCATT. GRCh37 (hg19) VCF-style: chr2-166740498-C-CCATT.
Other names: short protein forms A1164fs.
Identifiers: ClinVar variation 4850462 (VCV004850462.1).
Genomic context (GRCh38, chr2:165,883,988, plus strand): 5'-CAATACGCTTCAGCTGGTTTCTGGCTCGTGGAGTCTGTTTCAAGATCATATAAGCCGTTG[C>CCATT]CATTCCCAAGAGCGCTGGGATATGCTCCTTCTATAAGAAAACAAAATTTTAGACCATAAG-3'